The following is an entry in ClinVar:

ClinVar aggregate classification (germline): Conflicting classifications of pathogenicity. Review status: criteria provided, conflicting classifications (1 of 4 stars). 6 submissions from 6 submitters: Likely pathogenic (3); Uncertain significance (3). Last evaluated 2025-02-07.

Conditions:
Shwachman-Diamond syndrome 1 (SDS1). Also called: LIPOMATOSIS OF PANCREAS, CONGENITAL. Identifiers: MedGen C4692625, MONDO:0044204, OMIM 260400.
Inborn genetic diseases. Identifiers: MedGen C0950123, MeSH D030342.

Allele frequency attached by ClinVar (database versions not stated): ExAC 0.00009; 1000 Genomes Project 0.00020; gnomAD 0.00009 and 0.00007; ESP Exome Variant Server 0.00008; TOPMed 0.00015; 1000 Genomes Project 30x 0.00016.
gnomAD v4.1: 235 of 1,614,072 alleles (0.015%); highest among the groups gnomAD compares: Non-Finnish European, 0.017%; no homozygotes.

Submissions (6):

Broad Center for Mendelian Genomics, Broad Institute of MIT and Harvard
Classification: Uncertain significance for Shwachman-Diamond syndrome 1. Last evaluated: 2025-02-07. Review status: criteria provided, single submitter. Criteria: ACMG Guidelines, 2015. Collection method: curation. Allele origin: germline. Inheritance: Autosomal recessive inheritance.
Comment: The p.Val130Met variant in SBDS has not been previously reported in the literature in individuals with Shwachman-Diamond syndrome, but has been identified in 0.02% (203/1179984) of European (non-Finnish) chromosomes by the Genome Aggregation Database (gnomAD; dbSNP rs201070132). Although this variant has been seen in the general population in a heterozygous state, its frequency is not high enough to rule out a pathogenic role. The presence of a known pseudogene, SBDSP1, can impact the reliability of allele frequencies. This variant has been reported in ClinVar (Variation ID: 372498) and has been interpreted as Likely pathogenic by GeneDx, Mendelics, and Neuberg Centre For Genomic Medicine (NCGM), and as a variant of uncertain significance by Ambry Genetics and Mayo Clinic Laboratories (Mayo Clinic). Computational prediction tools and conservation analyses do not provide strong support for or against an impact to the protein. In summary, the clinical significance of the p.Val130Met variant is uncertain. ACMG/AMP Criteria applied: none.

Neuberg Centre For Genomic Medicine, NCGM
Classification: Likely pathogenic for Shwachman-Diamond syndrome 1. Last evaluated: 2023-02-14. Review status: criteria provided, single submitter. Criteria: ACMG Guidelines, 2015. Collection method: clinical testing. Allele origin: germline. Inheritance: Autosomal recessive inheritance. Affected: yes.
Comment: The missense variant c.388G>A (p.Val130Met) in the SBDS gene has been reported previously in a heterozygous state in patients affected with neuroblastoma (Wu et al., 2022; Bonfiglio et al., 2023). This variant is reported with the allele frequency (0.008%) in the gnomAD Exomes and novel (not in any individuals) in 1000 Genomes. It is submitted to ClinVar as Likely Pathogenic. The amino acid Valine at position 130 is changed to a Methionine changing protein sequence and it might alter its composition and physico-chemical properties. The variant is predicted as damaging by SIFT. The amino acid change p.Val130Met in SBDS is predicted as conserved by GERP++ and PhyloP across 100 vertebrates. For these reasons, this variant has been classified as Likely Pathogenic.

Mayo Clinic Laboratories, Mayo Clinic
Classification: Uncertain significance. Last evaluated: 2023-01-03. Review status: criteria provided, single submitter. Criteria: ACMG Guidelines, 2015. Collection method: clinical testing. Allele origin: germline. Observed: 1 variant allele.

Ambry Genetics
Classification: Uncertain significance for Inborn genetic diseases. Last evaluated: 2022-06-10. Review status: criteria provided, single submitter. Criteria: Ambry Variant Classification Scheme 2023. Collection method: clinical testing. Allele origin: germline.

Mendelics
Classification: Likely pathogenic for Shwachman-Diamond syndrome 1. Last evaluated: 2019-05-28. Review status: criteria provided, single submitter. Criteria: Mendelics Assertion Criteria 2017. Collection method: clinical testing. Allele origin: unknown.

GeneDx
Classification: Likely pathogenic. Last evaluated: 2015-09-25. Review status: criteria provided, single submitter. Criteria: GeneDx Variant Classification (06012015). Collection method: clinical testing. Allele origin: germline. Affected: yes.
Comment: To our knowledge, the V130M missense change has not been published as a pathogenic variant, nor as a benign polymorphism. However, another missense change located at the same position, V130L, has been reported in association with Shwachman-Diamond syndrome (SDS) (Hashmi et al., 2011). The NHLBI Exome Sequencing Project reports V130M wasobserved in 1/8600 (0.012%) alleles from individuals of European background and the 1000 Genomes ProjectConsortium reports V130M was observed in 1/1008 (0.10%) alleles from individuals of East Asianbackground, indicating it may be a rare variant in these populations. The V130M variant is a conservativeamino acid substitution that occurs at a position that is conserved across species. In silico analysis isinconsistent in its predictions as to whether or not the variant is damaging to the protein structure/function.Missense variants in nearby residues (N121T, R126T, T129A, M137T) have been reported in the HumanGene Mutation Database in association with Schwachman-Diamond syndrome (Stenson et al., 2014).Therefore, this variant is a strong candidate for a pathogenic variant, however the possibility that it is abenign variant cannot be excluded.

Literature cited by the submitters: PubMed 31589614 (cited by Mayo Clinic Laboratories, Mayo Clinic); PubMed 34308104 (cited by Mayo Clinic Laboratories, Mayo Clinic).

NM_016038.4(SBDS):c.388G>A (p.Val130Met)

Gene: SBDS (SBDS ribosome maturation factor; minus strand). Cytogenetic location: 7q11.21.
Variant type: single nucleotide variant.
Coding change: c.388G>A on transcript NM_016038.4 (MANE Select); coding-DNA position 388, G replaced by A.
Protein change: p.Val130Met; replaces valine 130 with methionine.
Molecular consequence: missense variant.
Genome position (GRCh38, 1-based): chr7:66,993,288, C>T on the plus strand (G>A on the coding strand, the complement: SBDS is on the minus strand). VCF-style: chr7-66993288-C-T. GRCh37 (hg19) VCF-style: chr7-66458275-C-T.
Other names: p.Val130Met; NM_016038.4(SBDS):c.388G>A; c.388G>A (LRG_104t1); short protein forms V130M.
Identifiers: ClinVar variation 372498 (VCV000372498.5), dbSNP rs201070132, ClinGen allele CA4279169.